The following is an entry in ClinVar:

ClinVar aggregate classification (germline): Uncertain significance. Review status: criteria provided, multiple submitters, no conflicts (2 of 4 stars). 5 submissions from 4 submitters: Uncertain significance (3). 2 of the submissions do not count toward it. Last evaluated 2023-11-04.

Conditions:
Retinitis pigmentosa 39 (RP39). Identifiers: Orphanet 791, MedGen C3151138, MONDO:0013436, OMIM 613809.
Usher syndrome type 2A. Also called: RETINAL DISEASE IN USHER SYNDROME TYPE IIA, MODIFIER OF; USHER SYNDROME, TYPE IIA. Identifiers: Orphanet 231178, Orphanet 886, MedGen C1848634, MONDO:0010169, OMIM 276901.

gnomAD v4.1: 4 of 1,613,892 alleles (0.00025%); highest among the groups gnomAD compares: Middle Eastern, 0.066%; no homozygotes.

Submissions (5):

Genome-Nilou Lab
Classification: Uncertain significance for Retinitis pigmentosa 39. Last evaluated: 2023-11-04. Review status: criteria provided, single submitter. Criteria: ACMG Guidelines, 2015. Collection method: clinical testing. Allele origin: germline. Affected: no.

Genome-Nilou Lab
Classification: Uncertain significance for Usher syndrome type 2A. Last evaluated: 2023-11-04. Review status: criteria provided, single submitter. Criteria: ACMG Guidelines, 2015. Collection method: clinical testing. Allele origin: germline. Affected: no.

Women's Health and Genetics/Laboratory Corporation of America, LabCorp
Classification: Uncertain significance. Last evaluated: 2021-08-12. Review status: criteria provided, single submitter. Criteria: LabCorp Variant Classification Summary - May 2015. Collection method: clinical testing. Allele origin: germline.
Comment: Variant summary: USH2A c.9014G>C (p.Ser3005Thr) results in a conservative amino acid change located in the Fibronectin type III domain (IPR003961) of the encoded protein sequence. Five of five in-silico tools predict a benign effect of the variant on protein function. The variant was absent in 251108 control chromosomes (gnomAD). The available data on variant occurrences in the general population are insufficient to allow any conclusion about variant significance. c.9014G>C has been reported in the literature in a compound heterozygous individual affected with Usher Syndrome (Bonnet_2016). This report does not provide unequivocal conclusions about association of the variant with Usher Syndrome. To our knowledge, no experimental evidence demonstrating an impact on protein function has been reported. A ClinVar submitter (evaluation after 2014) cites the variant as uncertain significance. Based on the evidence outlined above, the variant was classified as uncertain significance.

Natera, Inc.
Classification: Uncertain significance for Usher syndrome type 2A. Last evaluated: 2020-08-26. Review status: no assertion criteria provided. Collection method: clinical testing. Allele origin: germline. Not counted in ClinVar's aggregate classification.

Counsyl
Classification: Uncertain significance for Usher syndrome type 2A; Retinitis pigmentosa 39. Last evaluated: 2018-05-02. Review status: no assertion criteria provided. Collection method: clinical testing. Allele origin: unknown. Not counted in ClinVar's aggregate classification.

Literature cited by the submitters: PubMed 27460420 (cited by Women's Health and Genetics/Laboratory Corporation of America, LabCorp and Counsyl).

NM_206933.4(USH2A):c.9014G>C (p.Ser3005Thr)

Gene: USH2A (usherin; minus strand). Cytogenetic location: 1q41.
Variant type: single nucleotide variant.
Coding change: c.9014G>C on transcript NM_206933.4 (MANE Select); coding-DNA position 9014, G replaced by C.
Protein change: p.Ser3005Thr; replaces serine 3005 with threonine.
Molecular consequence: missense variant.
Genome position (GRCh38, 1-based): chr1:215,845,865, C>G on the plus strand (G>C on the coding strand, the complement: USH2A is on the minus strand). VCF-style: chr1-215845865-C-G. GRCh37 (hg19) VCF-style: chr1-216019207-C-G.
Other names: short protein forms S3005T.
Identifiers: ClinVar variation 558156 (VCV000558156.5), dbSNP rs1553268568, ClinGen allele CA344840551.